The following is an entry in ClinVar:

ClinVar aggregate classification (germline): Benign/Likely benign. Review status: criteria provided, multiple submitters, no conflicts (2 of 4 stars). 4 submissions from 4 submitters: Benign (1); Likely benign (3). Last evaluated 2025-12-25.

Conditions:
FG syndrome (FGS). Identifiers: MedGen C0220769, MONDO:0002010.
MED12-Related Disorders. Also called: MED12-related condition; MED12-related disorder. Identifiers: MedGen CN381102.

Allele frequency attached by ClinVar (database versions not stated): gnomAD exomes 0.00001 and 0.00004; ExAC 0.00006; TOPMed 0.00006; gnomAD 0.00007; 1000 Genomes Project 0.00026; 1000 Genomes Project 30x 0.00042.
gnomAD v4.1: 23 of 1,209,839 alleles (0.0019%); highest among the groups gnomAD compares: Middle Eastern, 0.023%; no homozygotes.

Submissions (4):

Labcorp Genetics (formerly Invitae), Labcorp
Classification: Benign for FG syndrome. Last evaluated: 2025-12-25. Review status: criteria provided, single submitter. Criteria: Invitae Variant Classification Sherloc (09022015). Collection method: clinical testing. Allele origin: germline.

PreventionGenetics, part of Exact Sciences
Classification: Likely benign for MED12-related condition. Last evaluated: 2025-11-25. Review status: criteria provided, single submitter. Criteria: ACMG Guidelines, 2015. Collection method: clinical testing. Allele origin: germline.
Comment: This variant is classified as likely benign based on ACMG/AMP sequence variant interpretation guidelines (Richards et al. 2015 PMID: 25741868, with internal and published modifications).

Blueprint Genetics
Classification: Likely benign. Last evaluated: 2023-03-31. Review status: criteria provided, single submitter. Criteria: ACMG Guidelines, 2015. Collection method: clinical testing. Allele origin: germline.

GeneDx
Classification: Likely benign. Last evaluated: 2021-06-22. Review status: criteria provided, single submitter. Criteria: GeneDx Variant Classification Process June 2021. Collection method: clinical testing. Allele origin: germline. Affected: yes.

NM_005120.3(MED12):c.4950G>A (p.Thr1650=)

Gene: MED12 (mediator complex subunit 12; plus strand). Cytogenetic location: Xq13.1.
Variant type: single nucleotide variant.
Coding change: c.4950G>A on transcript NM_005120.3 (MANE Select); coding-DNA position 4950, G replaced by A.
Protein change: p.Thr1650=; no amino-acid change (threonine 1650 retained).
Molecular consequence: synonymous variant.
Genome position (GRCh38, 1-based): chrX:71,135,178, G>A. VCF-style: chrX-71135178-G-A. GRCh37 (hg19) VCF-style: chrX-70355028-G-A.
Identifiers: ClinVar variation 388680 (VCV000388680.15), dbSNP rs756839501, ClinGen allele CA10444726.